The following is an entry in ClinVar:

NM_015114.3(ANKLE2):c.297G>T (p.Arg99Ser)

Gene: ANKLE2 (ankyrin repeat and LEM domain containing 2; minus strand). Cytogenetic location: 12q24.33.
Variant type: single nucleotide variant.
Coding change: c.297G>T on transcript NM_015114.3 (MANE Select); coding-DNA position 297, G replaced by T.
Protein change: p.Arg99Ser; replaces arginine 99 with serine.
Molecular consequence: missense variant.
Genome position (GRCh38, 1-based): chr12:132,755,018, C>A on the plus strand (G>T on the coding strand, the complement: ANKLE2 is on the minus strand). VCF-style: chr12-132755018-C-A. GRCh37 (hg19) VCF-style: chr12-133331604-C-A.
Other names: c.297G>T (NM_015114.2); short protein forms R99S.
Identifiers: ClinVar variation 2312792 (VCV002312792.4), dbSNP rs2542416097, ClinGen allele CA387362663.
Genomic context (GRCh38, chr12:132,755,018, plus strand): 5'-AGAAGACAGCCTTCCTCCTTGCTCCAGTAAAGCCTGAGCCAATTTTTTCTCAAAAATGAA[C>A]CTTGTAGTTGATGTAATGGGTCCACATTTCAATCCGGCTTTGACGATTTCTTCTCTAAGG-3'
Protein context (NP_055929.1, residues 89-109): LKCGPITSTT[Arg99Ser]FIFEKKLAQA

ClinVar aggregate classification (germline): Uncertain significance. Review status: criteria provided, multiple submitters, no conflicts (2 of 4 stars). 2 submissions from 2 submitters: Uncertain significance (2). Last evaluated 2025-04-25.

Conditions:
Inborn genetic diseases. Identifiers: MedGen C0950123, MeSH D030342.

gnomAD v4.1: 15 of 1,614,102 alleles (0.00093%); highest among the groups gnomAD compares: Non-Finnish European, 0.001%; no homozygotes.

Submissions (2):

GeneDx
Classification: Uncertain significance. Last evaluated: 2025-04-25. Review status: criteria provided, single submitter. Criteria: GeneDx Variant Classification Process June 2021. Collection method: clinical testing. Allele origin: germline. Affected: yes.
Comment: Not observed at significant frequency in large population cohorts (gnomAD); In silico analysis supports that this missense variant has a deleterious effect on protein structure/function; Has not been previously published as pathogenic or benign to our knowledge

Ambry Genetics
Classification: Uncertain significance for Inborn genetic diseases. Last evaluated: 2022-09-22. Review status: criteria provided, single submitter. Criteria: Ambry Variant Classification Scheme 2023. Collection method: clinical testing. Allele origin: germline.